The following is an entry in ClinVar:

ClinVar aggregate classification (germline): Likely benign (1 of 4 stars; one submission).

Conditions:
Tuberous sclerosis 2 (TSC2). Identifiers: Orphanet 805, MedGen C1860707, MONDO:0013199, OMIM 613254.

Submission:

Myriad Genetics, Inc.
Classification: Likely benign for Tuberous sclerosis 2. Last evaluated: 2025-05-29. Review status: criteria provided, single submitter. Criteria: Myriad Autosomal Dominant, Autosomal Recessive and X-Linked Classification Criteria (2023). Collection method: clinical testing. Allele origin: unknown.
Comment: This variant is considered likely benign. This variant is intronic and is not expected to impact mRNA splicing.

NM_000548.5(TSC2):c.3611-19G>C

Gene: TSC2 (TSC complex subunit 2; plus strand). Cytogenetic location: 16p13.3.
Variant type: single nucleotide variant.
Coding change: c.3611-19G>C on transcript NM_000548.5 (MANE Select); 19 bases into the intron before coding-DNA position 3611, G replaced by C.
Molecular consequence: intron variant.
Genome position (GRCh38, 1-based): chr16:2,081,576, G>C. VCF-style: chr16-2081576-G-C. GRCh37 (hg19) VCF-style: chr16-2131577-G-C.
Other names: c.2879-19G>C (NM_001406687.1, NM_001318831.2, NM_001406688.1); c.2267-19G>C (NM_001406689.1); c.2138-19G>C (NM_001406690.1, NM_001406692.1, NM_001406694.1 and 1 more transcripts); c.3569-19G>C (NM_001406668.1); c.3011-19G>C (NM_001406680.1, NM_001406683.1, NM_001406682.1); c.3500-19G>C (NM_001406670.1); c.3371-19G>C (NM_001318827.2); c.3368-19G>C (NM_001406678.1); and 18 more.
Identifiers: ClinVar variation 4071234 (VCV004071234.1).